The following is an entry in ClinVar:

ClinVar aggregate classification (germline): Likely benign. Review status: criteria provided, single submitter (1 of 4 stars). 2 submissions from 2 submitters: Likely benign (1). 1 of the submissions does not count toward it. Last evaluated 2024-12-04.

Conditions:
CEP290-related disorder. Also called: CEP290-related disorders; CEP290-related condition. Identifiers: MedGen CN239314.
Joubert syndrome. Also called: CEREBELLOPARENCHYMAL DISORDER IV; JOUBERT-BOLTSHAUSER SYNDROME; Familial aplasia of the vermis. Identifiers: Orphanet 475, MedGen C5979921, MONDO:0018772.
Nephronophthisis. Also called: Juvenile Nephronophthisis. Identifiers: Orphanet 655, MedGen C0687120, MONDO:0019005, HP:0000090.
Meckel-Gruber syndrome. Also called: DYSENCEPHALIA SPLANCHNOCYSTICA; GRUBER SYNDROME; Dysencephalia splachnocystica. Identifiers: Orphanet 564, MedGen C0265215, MONDO:0018921.

Allele frequency attached by ClinVar (database versions not stated): gnomAD 0.00001; TOPMed 0.00001.
gnomAD v4.1: 5 of 1,315,730 alleles (0.00038%); highest among the groups gnomAD compares: Admixed American, 0.011%; no homozygotes.

Submissions (2):

Labcorp Genetics (formerly Invitae), Labcorp
Classification: Likely benign for Joubert syndrome; Meckel-Gruber syndrome; Nephronophthisis. Last evaluated: 2024-12-04. Review status: criteria provided, single submitter. Criteria: Invitae Variant Classification Sherloc (09022015). Collection method: clinical testing. Allele origin: germline.

PreventionGenetics, part of Exact Sciences
Classification: Likely benign for CEP290-related condition. Last evaluated: 2023-10-09. Review status: no assertion criteria provided. Collection method: clinical testing. Allele origin: germline. Not counted in ClinVar's aggregate classification.
Comment: This variant is classified as likely benign based on ACMG/AMP sequence variant interpretation guidelines (Richards et al. 2015 PMID: 25741868, with internal and published modifications).

NM_025114.4(CEP290):c.7210-5A>T

Genes: CEP290 (centrosomal protein 290; minus strand), RLIG1 (RNA 5'-phosphate and 3'-OH ligase 1; plus strand). Cytogenetic location: 12q21.32.
Variant type: single nucleotide variant.
Coding change: c.7210-5A>T on transcript NM_025114.4 (MANE Select); 5 bases into the intron before coding-DNA position 7210, A replaced by T.
Molecular consequence: intron variant. On other transcripts: 3 prime UTR variant (1).
Genome position (GRCh38, 1-based): chr12:88,049,419, T>A on the plus strand (A>T on the coding strand, the complement: CEP290 is on the minus strand). VCF-style: chr12-88049419-T-A. GRCh37 (hg19) VCF-style: chr12-88443196-T-A.
Other names: c.*997T>A (NM_001009894.3).
Identifiers: ClinVar variation 1155254 (VCV001155254.11), dbSNP rs2033257006, ClinGen allele CA950215571.